The following is an entry in ClinVar:

ClinVar aggregate classification (germline): Uncertain significance. Review status: criteria provided, multiple submitters, no conflicts (2 of 4 stars). 2 submissions from 2 submitters: Uncertain significance (2). Last evaluated 2024-06-26.

Conditions:
Spastic paraplegia. Identifiers: MedGen C0037772, HP:0001258.

Allele frequency attached by ClinVar (database versions not stated): gnomAD 0.00006; gnomAD exomes 0.00009 and 0.00003; ExAC 0.00003; TOPMed 0.00005.
gnomAD v4.1: 138 of 1,611,746 alleles (0.0086%); highest among the groups gnomAD compares: Middle Eastern, 0.016%; 1 homozygote.

Submissions (2):

Labcorp Genetics (formerly Invitae), Labcorp
Classification: Uncertain significance for Spastic paraplegia. Last evaluated: 2024-06-26. Review status: criteria provided, single submitter. Criteria: Invitae Variant Classification Sherloc (09022015). Collection method: clinical testing. Allele origin: germline.
Comment: This sequence change replaces proline, which is neutral and non-polar, with leucine, which is neutral and non-polar, at codon 311 of the ZFYVE27 protein (p.Pro311Leu). This variant is present in population databases (rs758158502, gnomAD 0.006%). This variant has not been reported in the literature in individuals affected with ZFYVE27-related conditions. ClinVar contains an entry for this variant (Variation ID: 836086). An algorithm developed to predict the effect of missense changes on protein structure and function (PolyPhen-2) suggests that this variant is likely to be disruptive. In summary, the available evidence is currently insufficient to determine the role of this variant in disease. Therefore, it has been classified as a Variant of Uncertain Significance.

Ambry Genetics
Classification: Uncertain significance. Last evaluated: 2024-01-04. Review status: criteria provided, single submitter. Criteria: Ambry Variant Classification Scheme 2023. Collection method: clinical testing. Allele origin: germline.

NM_001385875.1(ZFYVE27):c.917C>T (p.Pro306Leu)

Gene: ZFYVE27 (zinc finger FYVE-type containing 27; plus strand). Cytogenetic location: 10q24.2.
Variant type: single nucleotide variant.
Coding change: c.917C>T on transcript NM_001385875.1 (MANE Select); coding-DNA position 917, C replaced by T.
Protein change: p.Pro306Leu; replaces proline 306 with leucine.
Molecular consequence: missense variant. On other transcripts: non-coding transcript variant (17).
Genome position (GRCh38, 1-based): chr10:97,753,057, C>T. VCF-style: chr10-97753057-C-T. GRCh37 (hg19) VCF-style: chr10-99512814-C-T.
Other names: c.911C>T, p.Pro304Leu (NM_001385878.1, NM_001385879.1, NM_001385882.1); c.896C>T, p.Pro299Leu (NM_001385880.1, NM_001385881.1, NM_001385883.1 and 2 more transcripts); c.836C>T, p.Pro279Leu (NM_001385885.1); c.815C>T, p.Pro272Leu (NM_001385886.1, NM_001385887.1, NM_001385888.1); c.692C>T, p.Pro231Leu (NM_001385897.1, NM_001385898.1, NM_001385896.1); c.680C>T, p.Pro227Leu (NM_001385899.1, NM_001385900.1); c.674C>T, p.Pro225Leu (NM_001385901.1, NM_001385902.1, NM_001385903.1 and 1 more transcripts); c.659C>T, p.Pro220Leu (NM_001385905.1, NM_001385906.1, NM_001385908.1); and 14 more; short protein forms P181L, P311L, P206L, P213L, P299L, P267L, P306L, P188L.
Identifiers: ClinVar variation 836086 (VCV000836086.10), dbSNP rs758158502, ClinGen allele CA5635375.